The following is an entry in ClinVar:

ClinVar aggregate classification (germline): Uncertain significance (1 of 4 stars; one submission).

Conditions:
Inborn genetic diseases. Identifiers: MedGen C0950123, MeSH D030342.

gnomAD v4.1: 1 of 1,608,944 alleles (0.000062%); no homozygotes.

Submission:

Ambry Genetics
Classification: Uncertain significance for Inborn genetic diseases. Last evaluated: 2025-11-20. Review status: criteria provided, single submitter. Criteria: Ambry Variant Classification Scheme 2023. Collection method: clinical testing. Allele origin: germline.
Comment: The p.S464T variant (also known as c.1391G>C), located in coding exon 13 of the ANKRD26 gene, results from a G to C substitution at nucleotide position 1391. The serine at codon 464 is replaced by threonine, an amino acid with similar properties. This amino acid position is conserved. In addition, this alteration is predicted to be tolerated by in silico analysis. Based on the available evidence, the clinical significance of this variant remains unclear.

NM_014915.3(ANKRD26):c.1391G>C (p.Ser464Thr)

Gene: ANKRD26 (ankyrin repeat domain 26; minus strand). Cytogenetic location: 10p12.1.
Variant type: single nucleotide variant.
Coding change: c.1391G>C on transcript NM_014915.3 (MANE Select); coding-DNA position 1391, G replaced by C.
Protein change: p.Ser464Thr; replaces serine 464 with threonine.
Molecular consequence: missense variant.
Genome position (GRCh38, 1-based): chr10:27,061,215, C>G on the plus strand (G>C on the coding strand, the complement: ANKRD26 is on the minus strand). VCF-style: chr10-27061215-C-G. GRCh37 (hg19) VCF-style: chr10-27350144-C-G.
Other names: c.1391G>C, p.Ser464Thr (NM_001256053.2); short protein forms S464T.
Identifiers: ClinVar variation 4580106 (VCV004580106.1).